The following is an entry in ClinVar:

ClinVar aggregate classification (germline): Uncertain significance (1 of 4 stars; one submission).

Conditions:
Hereditary cancer-predisposing syndrome. Also called: Hereditary neoplastic syndrome; Neoplastic Syndromes, Hereditary; Tumor predisposition; Hereditary Cancer Syndrome. Identifiers: Orphanet 140162, MedGen C0027672, MeSH D009386, MONDO:0015356.

Submission:

Ambry Genetics
Classification: Uncertain significance for Hereditary cancer-predisposing syndrome. Last evaluated: 2014-06-10. Review status: criteria provided, single submitter. Criteria: Ambry Variant Classification Scheme 2023. Collection method: clinical testing. Allele origin: germline.
Comment: The p.V34F variant (also known as c.100G>T), located in coding exon 1 of the STK11 gene, results from a G to T substitution at nucleotide position 100. The valine at codon 34 is replaced by phenylalanine, an amino acid with highly similar properties. This variant was not reported in population based cohorts in the following databases: Database of Single Nucleotide Polymorphisms (dbSNP), NHLBI Exome Sequencing Project (ESP), and 1000 Genomes Project. In the ESP, this variant was not observed in 6283 samples (12566 alleles) with coverage at this position. To date, this alteration has been detected with an allele frequency of approximately 0.05% (greater than 2,000 alleles tested) in our clinical cohort (includes this individual). This amino acid position is highly conserved in available vertebrate species. In addition, this alteration is predicted to be benign by PolyPhen but deleterious by SIFT in silico analyses. Since supporting evidence is limited at this time, the clinical significance of p.V34F remains unclear.

NM_000455.5(STK11):c.100G>T (p.Val34Phe)

Gene: STK11 (serine/threonine kinase 11; plus strand). Cytogenetic location: 19p13.3.
Variant type: single nucleotide variant.
Coding change: c.100G>T on transcript NM_000455.5 (MANE Select); coding-DNA position 100, G replaced by T.
Protein change: p.Val34Phe; replaces valine 34 with phenylalanine.
Molecular consequence: missense variant.
Genome position (GRCh38, 1-based): chr19:1,207,013, G>T. VCF-style: chr19-1207013-G-T. GRCh37 (hg19) VCF-style: chr19-1207012-G-T.
Other names: short protein forms V34F.
Identifiers: ClinVar variation 185412 (VCV000185412.5), dbSNP rs786201782, ClinGen allele CA022145.